The following is an entry in ClinVar:

ClinVar aggregate classification (germline): Pathogenic (1 of 4 stars; one submission).

Conditions:
Early-infantile DEE. Also called: Early infantile epileptic encephalopathy; Early infantile epileptic encephalopathy with suppression bursts; Ohtahara syndrome. Identifiers: Orphanet 1934, MedGen C0393706, MONDO:0800491.

Submission:

Labcorp Genetics (formerly Invitae), Labcorp
Classification: Pathogenic for Early-infantile DEE. Last evaluated: 2023-08-04. Review status: criteria provided, single submitter. Criteria: Invitae Variant Classification Sherloc (09022015). Collection method: clinical testing. Allele origin: germline.
Comment: This variant is not present in population databases (gnomAD no frequency). For these reasons, this variant has been classified as Pathogenic. ClinVar contains an entry for this variant (Variation ID: 2100973). This variant has not been reported in the literature in individuals affected with CACNA2D2-related conditions. This sequence change creates a premature translational stop signal (p.Thr388Glyfs*7) in the CACNA2D2 gene. It is expected to result in an absent or disrupted protein product. Loss-of-function variants in CACNA2D2 are known to be pathogenic (PMID: 24358150).

Literature cited by the submitters: PubMed 24358150.

NM_006030.4(CACNA2D2):c.1162_1165del (p.Thr388fs)

Gene: CACNA2D2 (calcium voltage-gated channel auxiliary subunit alpha2delta 2; minus strand). Cytogenetic location: 3p21.31.
Variant type: Deletion.
Coding change: c.1162_1165del on transcript NM_006030.4 (MANE Select); coding-DNA positions 1162 to 1165, 4 bases deleted (ACTC; older notation c.1162_1165delACTC).
Protein change: p.Thr388fs; shifts the reading frame from threonine 388.
Molecular consequence: frameshift variant.
Genome position (GRCh38, 1-based): chr3:50,379,187-50,379,190, GAGT deleted on the plus strand (ACTC on the coding strand, the reverse complement: CACNA2D2 is on the minus strand); deleting any 4 consecutive bases within chr3:50,379,187-50,379,192 gives the same sequence; the c. name uses the placement nearest the transcript's 3' end. VCF-style (leftmost placement, unchanged base first): chr3-50379186-CGAGT-C. GRCh37 (hg19) VCF-style: chr3-50416617-CGAGT-C.
Other names: c.1162_1165del, p.Thr388fs (NM_001005505.3, NM_001174051.3); c.955_958del, p.Thr319fs (NM_001291101.1); c.1160_1163delTCAC, p.Thr388Glyfs (NM_001410768.1); short protein forms T319fs, T388fs.
Identifiers: ClinVar variation 2100973 (VCV002100973.4), dbSNP rs2471028503, ClinGen allele CA2580070208.